The following is an entry in ClinVar:

NM_005585.5(SMAD6):c.413C>T (p.Pro138Leu)

Gene: SMAD6 (SMAD family member 6; plus strand). Cytogenetic location: 15q22.31.
Variant type: single nucleotide variant.
Coding change: c.413C>T on transcript NM_005585.5 (MANE Select); coding-DNA position 413, C replaced by T.
Protein change: p.Pro138Leu; replaces proline 138 with leucine.
Molecular consequence: missense variant. On other transcripts: non-coding transcript variant (1).
Genome position (GRCh38, 1-based): chr15:66,703,671, C>T. VCF-style: chr15-66703671-C-T. GRCh37 (hg19) VCF-style: chr15-66996009-C-T.
Other names: short protein forms P138L.
Identifiers: ClinVar variation 645551 (VCV000645551.10), dbSNP rs1595756885, ClinGen allele CA392949506.

ClinVar aggregate classification (germline): Uncertain significance. Review status: criteria provided, multiple submitters, no conflicts (2 of 4 stars). 2 submissions from 2 submitters: Uncertain significance (2). Last evaluated 2021-08-22.

Conditions:
Aortic valve disease 2 (AOVD2). Identifiers: MedGen C3542024, MONDO:0013902, OMIM 614823.
Inborn genetic diseases. Identifiers: MedGen C0950123, MeSH D030342.

Allele frequency attached by ClinVar (database versions not stated): gnomAD exomes below 0.00001.
gnomAD v4.1: 1 of 1,232,632 alleles (0.000081%); highest among the groups gnomAD compares: Non-Finnish European, 0.0001%; no homozygotes.

Submissions (2):

Ambry Genetics
Classification: Uncertain significance for Inborn genetic diseases. Last evaluated: 2021-08-22. Review status: criteria provided, single submitter. Criteria: Ambry Variant Classification Scheme 2023. Collection method: clinical testing. Allele origin: germline.
Comment: The p.P138L variant (also known as c.413C>T), located in coding exon 1 of the SMAD6 gene, results from a C to T substitution at nucleotide position 413. The proline at codon 138 is replaced by leucine, an amino acid with similar properties. This amino acid position is conserved. In addition, this alteration is predicted to be tolerated by in silico analysis. Since supporting evidence is limited at this time, the clinical significance of this alteration remains unclear.

Labcorp Genetics (formerly Invitae), Labcorp
Classification: Uncertain significance for Aortic valve disease 2. Last evaluated: 2018-11-07. Review status: criteria provided, single submitter. Criteria: Invitae Variant Classification Sherloc (09022015). Collection method: clinical testing. Allele origin: germline.
Comment: In summary, the available evidence is currently insufficient to determine the role of this variant in disease. Therefore, it has been classified as a Variant of Uncertain Significance. Algorithms developed to predict the effect of missense changes on protein structure and function (SIFT, PolyPhen-2, Align-GVGD) all suggest that this variant is likely to be tolerated, but these predictions have not been confirmed by published functional studies and their clinical significance is uncertain. This variant has not been reported in the literature in individuals with SMAD6-related disease. The frequency data for this variant in the population databases is considered unreliable, as metrics indicate insufficient coverage at this position in the ExAC database. This sequence change replaces proline with leucine at codon 138 of the SMAD6 protein (p.Pro138Leu). The proline residue is moderately conserved and there is a moderate physicochemical difference between proline and leucine.